The following is an entry in ClinVar:

ClinVar aggregate classification (germline): Uncertain significance (1 of 4 stars; one submission).

gnomAD v4.1: 1 of 1,614,122 alleles (0.000062%); highest among the groups gnomAD compares: Non-Finnish European, 0.000085%; no homozygotes.

Submission:

Labcorp Genetics (formerly Invitae), Labcorp
Classification: Uncertain significance. Last evaluated: 2025-03-26. Review status: criteria provided, single submitter. Criteria: Invitae Variant Classification Sherloc (09022015). Collection method: clinical testing. Allele origin: germline.
Comment: This sequence change replaces serine, which is neutral and polar, with proline, which is neutral and non-polar, at codon 375 of the TCF20 protein (p.Ser375Pro). This variant is present in population databases (no rsID available, gnomAD 0.007%). This variant has not been reported in the literature in individuals affected with TCF20-related conditions. An algorithm developed to predict the effect of missense changes on protein structure and function (PolyPhen-2) suggests that this variant is likely to be disruptive. In summary, the available evidence is currently insufficient to determine the role of this variant in disease. Therefore, it has been classified as a Variant of Uncertain Significance.

NM_001378418.1(TCF20):c.1123T>C (p.Ser375Pro)

Gene: TCF20 (transcription factor 20; minus strand). Cytogenetic location: 22q13.2.
Variant type: single nucleotide variant.
Coding change: c.1123T>C on transcript NM_001378418.1 (MANE Select); coding-DNA position 1123, T replaced by C.
Protein change: p.Ser375Pro; replaces serine 375 with proline.
Molecular consequence: missense variant.
Genome position (GRCh38, 1-based): chr22:42,214,183, A>G on the plus strand (T>C on the coding strand, the complement: TCF20 is on the minus strand). VCF-style: chr22-42214183-A-G. GRCh37 (hg19) VCF-style: chr22-42610189-A-G.
Other names: c.1123T>C, p.Ser375Pro (NM_005650.4, NM_181492.3); short protein forms S375P.
Identifiers: ClinVar variation 4693967 (VCV004693967.1).